The following is an entry in ClinVar:

NM_000051.4(ATM):c.1233T>G (p.Pro411=)

Gene: ATM (ATM serine/threonine kinase; plus strand). Cytogenetic location: 11q22.3.
Variant type: single nucleotide variant.
Coding change: c.1233T>G on transcript NM_000051.4 (MANE Select); coding-DNA position 1233, T replaced by G.
Protein change: p.Pro411=; no amino-acid change (proline 411 retained).
Molecular consequence: synonymous variant.
Genome position (GRCh38, 1-based): chr11:108,249,100, T>G. VCF-style: chr11-108249100-T-G. GRCh37 (hg19) VCF-style: chr11-108119827-T-G.
Other names: c.1233T>G, p.Pro411= (NM_001351834.2).
Identifiers: ClinVar variation 799884 (VCV000799884.14), dbSNP rs1591518323, ClinGen allele CA476671794.
Genomic context (GRCh38, chr11:108,249,100, plus strand): 5'-AGGCTGGGAAGTAATAAAAGATCACCTTCAGAAGTCACAGAATGATTTTGATCTTGTGCC[T>G]TGGTAAAGTGTTACCATTTTCTCATTCAGTGTCATTTTAATCTCTTGTATGTTATTTTTC-3'
Protein context (NP_000042.3, residues 401-421): QKSQNDFDLV[Pro411=]WLQIATQLIS

ClinVar aggregate classification (germline): Benign/Likely benign. Review status: criteria provided, multiple submitters, no conflicts (2 of 4 stars). 3 submissions from 3 submitters: Benign (1); Likely benign (2). Last evaluated 2024-04-25.

Conditions:
Familial cancer of breast. Also called: BREAST CANCER, FAMILIAL; Hereditary breast cancer; hereditary breast carcinoma. Identifiers: Orphanet 227535, MedGen C0346153, MONDO:0016419, OMIM 114480. Disease mechanism: loss of function.
Hereditary cancer-predisposing syndrome. Also called: Neoplastic Syndromes, Hereditary; Hereditary Cancer Syndrome; Tumor predisposition; Hereditary neoplastic syndrome. Identifiers: Orphanet 140162, MedGen C0027672, MeSH D009386, MONDO:0015356.
Ataxia-telangiectasia syndrome (AT). Also called: Ataxia-telangiectasia, complementation group E; Ataxia-telangiectasia, complementation group D; Ataxia telangiectasia (A-T); LOUIS-BAR SYNDROME; ATAXIA-TELANGIECTASIA, COMPLEMENTATION GROUP A; ATAXIA-TELANGIECTASIA, FRESNO VARIANT. Identifiers: Orphanet 100, MedGen C0004135, MONDO:0008840, OMIM 208900.

Submissions (3):

Myriad Genetics, Inc.
Classification: Benign for Familial cancer of breast. Last evaluated: 2024-04-25. Review status: criteria provided, single submitter. Criteria: Myriad Autosomal Dominant, Autosomal Recessive and X-Linked Classification Criteria (2023). Collection method: clinical testing. Allele origin: unknown.
Comment: This variant is considered benign. This variant is a silent/synonymous amino acid change and it is not expected to impact splicing.

Labcorp Genetics (formerly Invitae), Labcorp
Classification: Likely benign for Ataxia-telangiectasia syndrome. Last evaluated: 2022-11-17. Review status: criteria provided, single submitter. Criteria: Invitae Variant Classification Sherloc (09022015). Collection method: clinical testing. Allele origin: germline.

Ambry Genetics
Classification: Likely benign for Hereditary cancer-predisposing syndrome. Last evaluated: 2021-10-13. Review status: criteria provided, single submitter. Criteria: Ambry Variant Classification Scheme 2023. Collection method: clinical testing. Allele origin: germline.